The following is an entry in ClinVar:

NM_007194.4(CHEK2):c.1023C>T (p.Asn341=)

Gene: CHEK2 (checkpoint kinase 2; minus strand). Cytogenetic location: 22q12.1.
Variant type: single nucleotide variant.
Coding change: c.1023C>T on transcript NM_007194.4 (MANE Select); coding-DNA position 1023, C replaced by T.
Protein change: p.Asn341=; no amino-acid change (asparagine 341 retained).
Molecular consequence: synonymous variant. On other transcripts: intron variant (3).
Genome position (GRCh38, 1-based): chr22:28,696,973, G>A on the plus strand (C>T on the coding strand, the complement: CHEK2 is on the minus strand). VCF-style: chr22-28696973-G-A. GRCh37 (hg19) VCF-style: chr22-29092961-G-A.
Other names: c.1152C>T, p.Asn384= (NM_001005735.3); c.360C>T, p.Asn120= (NM_001257387.3, NM_001437942.1); c.822C>T, p.Asn274= (NM_001349956.3); c.1116C>T, p.Asn372= (NM_001438293.1); c.1009-1100C>T (NM_145862.3); c.1102-1100C>T (NM_001438295.1); c.1138-1100C>T (NM_001438294.1).
Identifiers: ClinVar variation 183963 (VCV000183963.25), dbSNP rs377668478, ClinGen allele CA187328.

ClinVar aggregate classification (germline): Benign/Likely benign. Review status: criteria provided, multiple submitters, no conflicts (2 of 4 stars). 10 submissions from 10 submitters: Benign (2); Likely benign (7). 1 of the submissions does not count toward it. Last evaluated 2026-01-24.

Conditions:
CHEK2-related disorder.
Hereditary cancer-predisposing syndrome. Also called: Neoplastic Syndromes, Hereditary; Tumor predisposition; Hereditary neoplastic syndrome; Hereditary Cancer Syndrome. Identifiers: Orphanet 140162, MedGen C0027672, MeSH D009386, MONDO:0015356.
Familial cancer of breast. Also called: Hereditary breast cancer; BREAST CANCER, FAMILIAL; hereditary breast carcinoma. Identifiers: Orphanet 227535, MedGen C0346153, MONDO:0016419, OMIM 114480. Disease mechanism: loss of function.
Malignant tumor of breast. Also called: Malignant breast neoplasm; Cancer breast. Identifiers: MedGen C0006142, MONDO:0007254. Disease mechanism: loss of function.

Allele frequency attached by ClinVar (database versions not stated): ExAC 0.00002; gnomAD exomes 0.00002 and 0.00003; TOPMed 0.00003; gnomAD 0.00005 and 0.00006; ESP Exome Variant Server 0.00008.
gnomAD v4.1: 33 of 1,611,370 alleles (0.002%); highest among the groups gnomAD compares: African/African-American, 0.0094%; no homozygotes.

Submissions (10):

Labcorp Genetics (formerly Invitae), Labcorp
Classification: Likely benign for Familial cancer of breast. Last evaluated: 2026-01-24. Review status: criteria provided, single submitter. Criteria: Invitae Variant Classification Sherloc (09022015). Collection method: clinical testing. Allele origin: germline.

PreventionGenetics, part of Exact Sciences
Classification: Likely benign for CHEK2-related condition. Last evaluated: 2025-11-04. Review status: criteria provided, single submitter. Criteria: ACMG Guidelines, 2015. Collection method: clinical testing. Allele origin: germline.
Comment: This variant is classified as likely benign based on ACMG/AMP sequence variant interpretation guidelines (Richards et al. 2015 PMID: 25741868, with internal and published modifications).

Center for Genomic Medicine, Rigshospitalet, Copenhagen University Hospital
Classification: Likely benign. Last evaluated: 2025-03-04. Review status: criteria provided, single submitter. Criteria: ACMG Guidelines, 2015. Collection method: clinical testing. Allele origin: germline.

Women's Health and Genetics/Laboratory Corporation of America, LabCorp
Classification: Likely benign. Last evaluated: 2025-02-03. Review status: criteria provided, single submitter. Criteria: LabCorp Variant Classification Summary - May 2015. Collection method: clinical testing. Allele origin: germline.

Myriad Genetics, Inc.
Classification: Benign for Familial cancer of breast. Last evaluated: 2024-10-04. Review status: criteria provided, single submitter. Criteria: Myriad Autosomal Dominant, Autosomal Recessive and X-Linked Classification Criteria (2023). Collection method: clinical testing. Allele origin: unknown.
Comment: This variant is considered benign. This variant is a silent/synonymous amino acid change and it is not expected to impact splicing.

Sema4
Classification: Likely benign for Hereditary cancer-predisposing syndrome. Last evaluated: 2021-06-11. Review status: criteria provided, single submitter. Criteria: Sema4 Curation Guidelines. Collection method: curation. Allele origin: germline.

Color Diagnostics, LLC DBA Color Health
Classification: Likely benign for Hereditary cancer-predisposing syndrome. Last evaluated: 2017-03-28. Review status: criteria provided, single submitter. Criteria: ACMG Guidelines, 2015. Collection method: clinical testing. Allele origin: germline.

GeneDx
Classification: Benign. Last evaluated: 2015-09-08. Review status: criteria provided, single submitter. Criteria: GeneDx Variant Classification (06012015). Collection method: clinical testing. Allele origin: germline. Affected: yes.
Comment: This variant is considered likely benign or benign based on one or more of the following criteria: it is a conservative change, it occurs at a poorly conserved position in the protein, it is predicted to be benign by multiple in silico algorithms, and/or has population frequency not consistent with disease.

Ambry Genetics
Classification: Likely benign for Hereditary cancer-predisposing syndrome. Last evaluated: 2014-12-08. Review status: criteria provided, single submitter. Criteria: Ambry Variant Classification Scheme 2023. Collection method: clinical testing. Allele origin: germline.

Department of Pathology and Laboratory Medicine, Sinai Health System
Classification: Likely benign for Malignant tumor of breast. Review status: no assertion criteria provided. Collection method: clinical testing. Allele origin: unknown. Affected: yes. Study: The Canadian Open Genetics Repository (COGR). Not counted in ClinVar's aggregate classification.
Comment: CHEK2, EXON10, c.1023C>T, p.Asn341=, Heterozygous, Likely BenignrnThe CHEK2 p.Asn341= variant was not identified in the literature. The variant was identified in dbSNP (ID: rs377668478) as "With Likely benign allele" and ClinVar (classified as benign by GeneDx; and as likely benign by Invitae, Ambry Genetics or Color). The variant was identified in control databases in 8 of 276922 chromosomes at a frequency of 0.00003 (Genome Aggregation Database Feb 27, 2017). The variant was observed in the following populations: African in 2 of 24024 chromosomes (freq: 0.00008), Other in 1 of 6456 chromosomes (freq: 0.0002), European in 3 of 126534 chromosomes (freq: 0.00002), and South Asian in 2 of 30774 chromosomes (freq: 0.00007); it was not observed in the Latino, Ashkenazi Jewish, East Asian, or Finnish populations. The p.Asn341= variant is not expected to have clinical significance because it does not result in a change of amino acid and is not located in a known consensus splice site. The variant occurs outside of the splicing consensus sequence and in silico or computational prediction software programs (SpliceSiteFinder, MaxEntScan, NNSPLICE, GeneSplicer) do not predict a difference in splicing; this is not very predictive of pathogenicity. In summary, based on the above information, the clinical significance of this variant cannot be determined with certainty at this time although we would lean towards a more benign role for this variant. This variant is classified as likely benign.rnAssessment Date: 2019/07/22